The following is an entry in ClinVar:

NM_000350.3(ABCA4):c.6416G>A (p.Arg2139Gln)

Gene: ABCA4 (ATP binding cassette subfamily A member 4; minus strand). Cytogenetic location: 1p22.1.
Variant type: single nucleotide variant.
Coding change: c.6416G>A on transcript NM_000350.3 (MANE Select); coding-DNA position 6416, G replaced by A.
Protein change: p.Arg2139Gln; replaces arginine 2139 with glutamine.
Molecular consequence: missense variant.
Genome position (GRCh38, 1-based): chr1:94,000,899, C>T on the plus strand (G>A on the coding strand, the complement: ABCA4 is on the minus strand). VCF-style: chr1-94000899-C-T. GRCh37 (hg19) VCF-style: chr1-94466455-C-T.
Other names: NM_000350.3(ABCA4):c.6416G>A; p.Arg2139Gln; c.6416G>A (NM_000350.2); c.6194G>A, p.Arg2065Gln (NM_001425324.1); short protein forms R2139Q, R2065Q.
Identifiers: ClinVar variation 1477198 (VCV001477198.11), dbSNP rs761867791, ClinGen allele CA956878.

ClinVar aggregate classification (germline): Likely pathogenic. Review status: reviewed by expert panel (3 of 4 stars). 4 submissions from 4 submitters: Likely pathogenic (1). 3 of the submissions do not count toward it. Last evaluated 2026-05-26.

Conditions:
ABCA4-related retinopathy. Also called: ABCA4-related retinoapthy; ABCA4 retinoapthy. Identifiers: MedGen CN322612, MONDO:0800406.
ABCA4-related disorder. Also called: ABCA4-related condition; ABCA4-related disorders. Identifiers: MedGen CN239167.

Allele frequency attached by ClinVar (database versions not stated): TOPMed 0.00002; gnomAD exomes 0.00017; ExAC 0.00021.
gnomAD v4.1: 130 of 1,614,074 alleles (0.0081%); highest among the groups gnomAD compares: South Asian, 0.09%; 1 homozygote.

Submissions (4):

ClinGen ABCA4 Variant Curation Expert Panel, Clingen
Classification: Likely pathogenic for ABCA4-related retinopathy. Last evaluated: 2026-05-26. Review status: reviewed by expert panel. Criteria: ClinGen ABCA4 ACMG Specifications V1.0.0. Collection method: curation. Allele origin: germline. Inheritance: Autosomal recessive inheritance.
Comment: The NM_000350.3(ABCA4):c.6416G>A variant in ABCA4 is a missense variant predicted to cause substitution of arginine by glutamine at amino acid 2139; p.Arg2139Gln. The total minor allele frequency in gnomAD v4.1.0 is 0.00008054 (130/1614074 alleles), which is lower than the ClinGen ABCA4 VCEP’s threshold for PM2_Supporting (<0.0001). The computational predictor REVEL gives a score of 0.964 which is above the threshold of >0.772 meeting PP3_Moderate. This variant has been detected in at least 1 individual with ABCA4-related retinopathy who was compound heterozygous for the variant confirmed in trans with a pathogenic variant (c.6445C>T, p.Arg2149Ter) (PM3; PMID: 37705246). Another missense variant, c.6416G>C; p.Arg2139Pro, in the same codon has been classified as pathogenic for ABCA4-related retinopathy by the ClinGen ABCA4 VCEP, and Splice AI revealed no expected effects on splicing (PM5). In summary, this variant meets the criteria to be classified as likely pathogenic for ABCA4-related retinopathy based on the ACMG/AMP criteria applied, as specified by the ClinGen ABCA4 VCEP (Specification Version 1.0.0): PM3, PP3_Moderate, PM5, PM2_Supporting.

Labcorp Genetics (formerly Invitae), Labcorp
Classification: Pathogenic. Last evaluated: 2026-01-14. Review status: criteria provided, single submitter. Criteria: Invitae Variant Classification Sherloc (09022015). Collection method: clinical testing. Allele origin: germline. Not counted in ClinVar's aggregate classification.
Comment: This sequence change replaces arginine, which is basic and polar, with glutamine, which is neutral and polar, at codon 2139 of the ABCA4 protein (p.Arg2139Gln). This variant is present in population databases (rs761867791, gnomAD 0.1%). This missense change has been observed in individual(s) with Stargardt disease (PMID: 37705246). In at least one individual the data is consistent with being in trans (on the opposite chromosome) from a pathogenic variant. ClinVar contains an entry for this variant (Variation ID: 1477198). Invitae Evidence Modeling of protein sequence and biophysical properties (such as structural, functional, and spatial information, amino acid conservation, physicochemical variation, residue mobility, and thermodynamic stability) indicates that this missense variant is expected to disrupt ABCA4 protein function with a positive predictive value of 95%. This variant disrupts the p.Arg2139 amino acid residue in ABCA4. Other variant(s) that disrupt this residue have been determined to be pathogenic (PMID: 25472526, 28559085). This suggests that this residue is clinically significant, and that variants that disrupt this residue are likely to be disease-causing. For these reasons, this variant has been classified as Pathogenic.

PreventionGenetics, part of Exact Sciences
Classification: Likely pathogenic for ABCA4-related condition. Last evaluated: 2024-10-14. Review status: criteria provided, single submitter. Criteria: ACMG Guidelines, 2015. Collection method: clinical testing. Allele origin: germline. Not counted in ClinVar's aggregate classification.
Comment: The ABCA4 c.6416G>A variant is predicted to result in the amino acid substitution p.Arg2139Gln. This variant has been reported in individuals with ABCA4-related retinal disease (Table S9, Corradi et al. 2023. PubMed ID: 37705246). Other variants impacting this amino acid have been reported to be pathogenic for ABCA4-related retinal disease (c.6416G>C, p.Arg2139Pro, see Supplement 4, Stone et al. 2017. PubMed ID: 28559085; c.6415C>T, p.Arg2139Trp, see Lewis et al.1999. PubMed ID: 9973280). This variant is reported in 0.11% of alleles in individuals of South Asian descent in gnomAD. We interpret this variant as likely pathogenic.

Blueprint Genetics
Classification: Uncertain significance. Last evaluated: 2024-06-14. Review status: criteria provided, single submitter. Criteria: ACMG Guidelines, 2015. Collection method: clinical testing. Allele origin: germline. Not counted in ClinVar's aggregate classification.

Literature cited by the submitters: PubMed 37705246 (cited by Labcorp Genetics (formerly Invitae), Labcorp); PubMed 25472526 (cited by Labcorp Genetics (formerly Invitae), Labcorp); PubMed 28559085 (cited by Labcorp Genetics (formerly Invitae), Labcorp).